The following is an entry in ClinVar:

ClinVar aggregate classification (germline): Uncertain significance (1 of 4 stars; one submission).

Conditions:
Familial thoracic aortic aneurysm and aortic dissection (TAAD). Also called: Thoracic aortic aneurysms and dissections. Identifiers: Orphanet 91387, MedGen C4707243, MONDO:0019625.
Hereditary cancer-predisposing syndrome. Also called: Hereditary Cancer Syndrome; Hereditary neoplastic syndrome; Neoplastic Syndromes, Hereditary; Tumor predisposition. Identifiers: Orphanet 140162, MedGen C0027672, MeSH D009386, MONDO:0015356.

Submission:

Ambry Genetics
Classification: Uncertain significance for Hereditary cancer-predisposing syndrome; Familial thoracic aortic aneurysm and aortic dissection. Last evaluated: 2026-08-11. Review status: criteria provided, single submitter. Criteria: Ambry Variant Classification Scheme 2023. Collection method: clinical testing. Allele origin: germline.
Comment: The p.H444D variant (also known as c.1330C>G), located in coding exon 10 of the SMAD4 gene, results from a C to G substitution at nucleotide position 1330. The histidine at codon 444 is replaced by aspartic acid, an amino acid with similar properties. This amino acid position is highly conserved in available vertebrate species. In addition, this alteration is predicted to be deleterious by in silico analysis. Based on the available evidence, the clinical significance of this variant remains unclear.

NM_005359.6(SMAD4):c.1330C>G (p.His444Asp)

Gene: SMAD4 (SMAD family member 4; plus strand). Cytogenetic location: 18q21.2.
Variant type: single nucleotide variant.
Coding change: c.1330C>G on transcript NM_005359.6 (MANE Select); coding-DNA position 1330, C replaced by G.
Protein change: p.His444Asp; replaces histidine 444 with aspartic acid.
Molecular consequence: missense variant.
Genome position (GRCh38, 1-based): chr18:51,076,659, C>G. VCF-style: chr18-51076659-C-G. GRCh37 (hg19) VCF-style: chr18-48603029-C-G.
Other names: c.1330C>G, p.His444Asp (NM_001407041.1, NM_001407042.1); short protein forms H444D.
Identifiers: ClinVar variation 1770135 (VCV001770135.3), dbSNP rs1910477676, ClinGen allele CA402465149.